The following is an entry in ClinVar:

NM_000371.4(TTR):c.382G>A (p.Ala128Thr)

Gene: TTR (transthyretin; plus strand). Cytogenetic location: 18q12.1.
Variant type: single nucleotide variant.
Coding change: c.382G>A on transcript NM_000371.4 (MANE Select); coding-DNA position 382, G replaced by A.
Protein change: p.Ala128Thr; replaces alanine 128 with threonine.
Molecular consequence: missense variant.
Genome position (GRCh38, 1-based): chr18:31,598,613, G>A. VCF-style: chr18-31598613-G-A. GRCh37 (hg19) VCF-style: chr18-29178576-G-A.
Other names: short protein forms A128T.
Identifiers: ClinVar variation 890909 (VCV000890909.8), dbSNP rs2073528679, ClinGen allele CA402158200.

ClinVar aggregate classification (germline): Uncertain significance. Review status: criteria provided, multiple submitters, no conflicts (2 of 4 stars). 2 submissions from 2 submitters: Uncertain significance (2). Last evaluated 2022-01-21.

Conditions:
Amyloidosis, hereditary systemic 1 (AMYLD1). Also called: Hereditary Transthyretin Amyloidosis; Hereditary oculoleptomeningeal amyloid angiopathy; Familial Transthyretin Amyloidosis; Isolated Cardiac Amyloidosis; Amyloid Cardiomyopathy, Transthyretin-related; Familial amyloid polyneuropathy. Identifiers: Orphanet 85447, Orphanet 85451, MedGen C2751492, MONDO:0971004, OMIM 105210.

Submissions (2):

Labcorp Genetics (formerly Invitae), Labcorp
Classification: Uncertain significance for Amyloidosis, hereditary systemic 1. Last evaluated: 2022-01-21. Review status: criteria provided, single submitter. Criteria: Invitae Variant Classification Sherloc (09022015). Collection method: clinical testing. Allele origin: germline.
Comment: This sequence change replaces alanine, which is neutral and non-polar, with threonine, which is neutral and polar, at codon 128 of the TTR protein (p.Ala128Thr). This variant is not present in population databases (gnomAD no frequency). This variant has not been reported in the literature in individuals affected with TTR-related conditions. ClinVar contains an entry for this variant (Variation ID: 890909). Advanced modeling of protein sequence and biophysical properties (such as structural, functional, and spatial information, amino acid conservation, physicochemical variation, residue mobility, and thermodynamic stability) performed at Invitae indicates that this missense variant is expected to disrupt TTR protein function. In summary, the available evidence is currently insufficient to determine the role of this variant in disease. Therefore, it has been classified as a Variant of Uncertain Significance.

Illumina Laboratory Services, Illumina
Classification: Uncertain significance for Amyloidosis, hereditary systemic 1. Last evaluated: 2018-01-13. Review status: criteria provided, single submitter. Criteria: ICSL Variant Classification Criteria 13 December 2019. Collection method: clinical testing. Allele origin: germline.